The following is an entry in ClinVar:

NM_000381.4(MID1):c.1483C>T (p.Arg495Ter)

Gene: MID1 (midline 1; minus strand). Cytogenetic location: Xp22.2.
Variant type: single nucleotide variant.
Coding change: c.1483C>T on transcript NM_000381.4 (MANE Select); coding-DNA position 1483, C replaced by T.
Protein change: p.Arg495Ter; replaces arginine 495 with a stop codon.
Molecular consequence: nonsense.
Genome position (GRCh38, 1-based): chrX:10,455,042, G>A on the plus strand (C>T on the coding strand, the complement: MID1 is on the minus strand). VCF-style: chrX-10455042-G-A. GRCh37 (hg19) VCF-style: chrX-10423082-G-A.
Other names: c.1483C>T, p.Arg495Ter (NM_001098624.2, NM_001193277.1, NM_001347733.2 and 1 more transcripts); c.1369C>T, p.Arg457Ter (NM_033289.2); short protein forms R495*, R457*.
Identifiers: ClinVar variation 523781 (VCV000523781.11), dbSNP rs745554420, ClinGen allele CA10347450.

ClinVar aggregate classification (germline): Pathogenic. Review status: criteria provided, multiple submitters, no conflicts (2 of 4 stars). 6 submissions from 6 submitters: Pathogenic (5). 1 of the submissions does not count toward it. Last evaluated 2023-11-29.

Conditions:
X-linked Opitz G/BBB syndrome (GBBB). Also called: OPITZ BBBG SYNDROME, TYPE I; OPITZ SYNDROME, X-LINKED; OPITZ-G SYNDROME, TYPE I; Opitz-Frias syndrome; MID1-Related Opitz G/BBB Syndrome. Identifiers: Orphanet 2745, MedGen C2936904, MONDO:0010222, OMIM 300000.

Allele frequency attached by ClinVar (database versions not stated): gnomAD exomes below 0.00001 and 0.00001; ExAC 0.00001.
gnomAD v4.1: 2 of 1,210,903 alleles (0.00017%); highest among the groups gnomAD compares: Non-Finnish European, 0.00022%; no homozygotes.

Submissions (6):

Clinical Genomics Laboratory, Washington University in St. Louis
Classification: Pathogenic for X-linked Opitz G/BBB syndrome. Last evaluated: 2023-11-29. Review status: criteria provided, single submitter. Criteria: ACMG Guidelines, 2015. Collection method: clinical testing. Allele origin: germline.
Comment: The MID1 c.1483C>T (p.Arg495Ter) variant has been reported in at least four unrelated, male individuals affected with Opitz G/BBB syndrome (Cox TC et al., PMID: 11030761; De Falco F et al., PMID: 12833403; Pinson L et al., PMID: 15121778; Shaw A et al., PMID: 16760742). This variant has been reported in the ClinVar database as a germline pathogenic variant by two submitters. This variant is only observed on 1/183,142 alleles in the general population (gnomAD v.2.1.1), indicating it is not a common variant. This variant causes a premature termination codon; however, because this occurs in the penultimate exon more than 150 nucleotides from the exon junction, it is uncertain if this would lead to nonsense mediated decay, but is expected to delete >25% of the protein. Based on available information and the ACMG/AMP guidelines for variant interpretation (Richards S et al., PMID: 25741868), this variant is classified as pathogenic.

GeneDx
Classification: Pathogenic. Last evaluated: 2023-11-15. Review status: criteria provided, single submitter. Criteria: GeneDx Variant Classification Process June 2021. Collection method: clinical testing. Allele origin: germline. Affected: yes.
Comment: Nonsense variant predicted to result in protein truncation or nonsense mediated decayin a gene for which loss of function is a known mechanism of disease; Not observed at significant frequency in large population cohorts (gnomAD); This variant is associated with the following publications: (PMID: 25304119, 25525159, 12833403, 15121778, 11030761)

Labcorp Genetics (formerly Invitae), Labcorp
Classification: Pathogenic. Last evaluated: 2023-04-03. Review status: criteria provided, single submitter. Criteria: Invitae Variant Classification Sherloc (09022015). Collection method: clinical testing. Allele origin: germline.
Comment: This sequence change creates a premature translational stop signal (p.Arg495*) in the MID1 gene. It is expected to result in an absent or disrupted protein product. Loss-of-function variants in MID1 are known to be pathogenic (PMID: 15558842, 17221865, 21326312). This variant is present in population databases (rs745554420, gnomAD 0.001%). This premature translational stop signal has been observed in individual(s) with Opitz syndrome (PMID: 11030761). ClinVar contains an entry for this variant (Variation ID: 523781). For these reasons, this variant has been classified as Pathogenic.

Center for Human Genetics, Inc
Classification: Pathogenic for X-linked Opitz G/BBB syndrome. Last evaluated: 2016-11-01. Review status: criteria provided, single submitter. Criteria: ACMG Guidelines, 2015. Collection method: clinical testing. Allele origin: germline. Affected: yes.

Juno Genomics, Hangzhou Juno Genomics, Inc
Classification: Pathogenic for X-linked Opitz G/BBB syndrome. Review status: criteria provided, single submitter. Criteria: ACMG Guidelines, 2015. Collection method: clinical testing. Allele origin: germline.
Comment: Absent from controls (or at extremely low frequency if recessive) in Genome Aggregation Database.;Null variant in a gene where loss of function (LOF) is a known mechanism of disease.;The prevalence of the variant in affected individuals is significantly increased compared to the prevalence in controls.

GeneReviews
No classification provided. Condition: X-linked Opitz G/BBB syndrome. Review status: no classification provided. Collection method: literature only. Allele origin: germline. Not counted in ClinVar's aggregate classification.

Literature cited by the submitters: PubMed 15558842 (cited by Labcorp Genetics (formerly Invitae), Labcorp); PubMed 17221865 (cited by Labcorp Genetics (formerly Invitae), Labcorp); PubMed 21326312 (cited by Labcorp Genetics (formerly Invitae), Labcorp); PubMed 11030761 (cited by Labcorp Genetics (formerly Invitae), Labcorp); NCBI Bookshelf NBK1327 (cited by GeneReviews).